The following is an entry in ClinVar:

ClinVar aggregate classification (germline): Likely benign. Review status: criteria provided, multiple submitters, no conflicts (2 of 4 stars). 3 submissions from 3 submitters: Likely benign (3). Last evaluated 2025-10-15.

Conditions:
IMPG1-related disorder. Also called: IMPG1-related condition.

Allele frequency attached by ClinVar (database versions not stated): gnomAD 0.00007; gnomAD exomes 0.00008.

Submissions (3):

Labcorp Genetics (formerly Invitae), Labcorp
Classification: Likely benign. Last evaluated: 2025-10-15. Review status: criteria provided, single submitter. Criteria: Invitae Variant Classification Sherloc (09022015). Collection method: clinical testing. Allele origin: germline.

PreventionGenetics, part of Exact Sciences
Classification: Likely benign for IMPG1-related condition. Last evaluated: 2024-11-03. Review status: criteria provided, single submitter. Criteria: ACMG Guidelines, 2015. Collection method: clinical testing. Allele origin: germline.
Comment: This variant is classified as likely benign based on ACMG/AMP sequence variant interpretation guidelines (Richards et al. 2015 PMID: 25741868, with internal and published modifications).

Blueprint Genetics
Classification: Likely benign. Last evaluated: 2021-07-13. Review status: criteria provided, single submitter. Criteria: ACMG Guidelines, 2015. Collection method: clinical testing. Allele origin: germline.

NM_001563.4(IMPG1):c.667-8A>T

Gene: IMPG1 (interphotoreceptor matrix proteoglycan 1; minus strand). Cytogenetic location: 6q14.1.
Variant type: single nucleotide variant.
Coding change: c.667-8A>T on transcript NM_001563.4 (MANE Select); 8 bases into the intron before coding-DNA position 667, A replaced by T.
Molecular consequence: intron variant.
Genome position (GRCh38, 1-based): chr6:76,018,866, T>A on the plus strand (A>T on the coding strand, the complement: IMPG1 is on the minus strand). VCF-style: chr6-76018866-T-A. GRCh37 (hg19) VCF-style: chr6-76728583-T-A.
Other names: c.433-8A>T (NM_001282368.2); c.667-8A>T (NM_001563.3).
Identifiers: ClinVar variation 1140680 (VCV001140680.11), dbSNP rs906551456, ClinGen allele CA141093382.